The following is an entry in ClinVar:

ClinVar aggregate classification (germline): Conflicting classifications of pathogenicity. Review status: criteria provided, conflicting classifications (1 of 4 stars). 3 submissions from 3 submitters: Uncertain significance (2); Likely benign (1). Last evaluated 2026-01-26.

Conditions:
Hereditary cancer-predisposing syndrome. Also called: Hereditary Cancer Syndrome; Hereditary neoplastic syndrome; Neoplastic Syndromes, Hereditary; Tumor predisposition. Identifiers: Orphanet 140162, MedGen C0027672, MeSH D009386, MONDO:0015356.

Allele frequency attached by ClinVar (database versions not stated): gnomAD exomes below 0.00001.
gnomAD v4.1: 2 of 1,613,472 alleles (0.00012%); highest among the groups gnomAD compares: Non-Finnish European, 0.00017%; no homozygotes.

Submissions (3):

Labcorp Genetics (formerly Invitae), Labcorp
Classification: Uncertain significance. Last evaluated: 2026-01-26. Review status: criteria provided, single submitter. Criteria: Invitae Variant Classification Sherloc (09022015). Collection method: clinical testing. Allele origin: germline.
Comment: This sequence change replaces proline, which is neutral and non-polar, with leucine, which is neutral and non-polar, at codon 1311 of the POLE protein (p.Pro1311Leu). This variant is present in population databases (no rsID available, gnomAD 0.0009%). This variant has not been reported in the literature in individuals affected with POLE-related conditions. ClinVar contains an entry for this variant (Variation ID: 405607). Invitae Evidence Modeling of protein sequence and biophysical properties (such as structural, functional, and spatial information, amino acid conservation, physicochemical variation, residue mobility, and thermodynamic stability) indicates that this missense variant is not expected to disrupt POLE protein function with a negative predictive value of 80%. In summary, the available evidence is currently insufficient to determine the role of this variant in disease. Therefore, it has been classified as a Variant of Uncertain Significance.

Ambry Genetics
Classification: Likely benign for Hereditary cancer-predisposing syndrome. Last evaluated: 2024-12-16. Review status: criteria provided, single submitter. Criteria: Ambry Variant Classification Scheme 2023. Collection method: clinical testing. Allele origin: germline.

GeneDx
Classification: Uncertain significance. Last evaluated: 2024-04-09. Review status: criteria provided, single submitter. Criteria: GeneDx Variant Classification Process June 2021. Collection method: clinical testing. Allele origin: germline. Affected: yes.
Comment: Not observed at significant frequency in large population cohorts (gnomAD); In silico analysis supports that this missense variant has a deleterious effect on protein structure/function; Has not been previously published as pathogenic or benign to our knowledge

NM_006231.4(POLE):c.3932C>T (p.Pro1311Leu)

Gene: POLE (DNA polymerase epsilon, catalytic subunit; minus strand). Cytogenetic location: 12q24.33.
Variant type: single nucleotide variant.
Coding change: c.3932C>T on transcript NM_006231.4 (MANE Select); coding-DNA position 3932, C replaced by T.
Protein change: p.Pro1311Leu; replaces proline 1311 with leucine.
Molecular consequence: missense variant.
Genome position (GRCh38, 1-based): chr12:132,649,379, G>A on the plus strand (C>T on the coding strand, the complement: POLE is on the minus strand). VCF-style: chr12-132649379-G-A. GRCh37 (hg19) VCF-style: chr12-133225965-G-A.
Other names: c.3932C>T (NM_006231.2); short protein forms P1311L.
Identifiers: ClinVar variation 405607 (VCV000405607.17), dbSNP rs1042198717, ClinGen allele CA16613587.